The following is an entry in ClinVar:

ClinVar aggregate classification (germline): Uncertain significance (1 of 4 stars; one submission).

Conditions:
Congenital contractural arachnodactyly (CCA). Also called: BEALS SYNDROME; Arthrogryposis, distal, type 9; Beals-Hecht syndrome. Identifiers: Orphanet 115, MedGen C0220668, MONDO:0007363, OMIM 121050.

Submission:

Labcorp Genetics (formerly Invitae), Labcorp
Classification: Uncertain significance for Congenital contractural arachnodactyly. Last evaluated: 2024-07-30. Review status: criteria provided, single submitter. Criteria: Invitae Variant Classification Sherloc (09022015). Collection method: clinical testing. Allele origin: germline.
Comment: This sequence change replaces tyrosine, which is neutral and polar, with phenylalanine, which is neutral and non-polar, at codon 1709 of the FBN2 protein (p.Tyr1709Phe). This variant is not present in population databases (gnomAD no frequency). This variant has not been reported in the literature in individuals affected with FBN2-related conditions. Advanced modeling of protein sequence and biophysical properties (such as structural, functional, and spatial information, amino acid conservation, physicochemical variation, residue mobility, and thermodynamic stability) performed at Invitae indicates that this missense variant is not expected to disrupt FBN2 protein function with a negative predictive value of 80%. In summary, the available evidence is currently insufficient to determine the role of this variant in disease. Therefore, it has been classified as a Variant of Uncertain Significance.

NM_001999.4(FBN2):c.5126A>T (p.Tyr1709Phe)

Gene: FBN2 (fibrillin 2; minus strand). Cytogenetic location: 5q23.3.
Variant type: single nucleotide variant.
Coding change: c.5126A>T on transcript NM_001999.4 (MANE Select); coding-DNA position 5126, A replaced by T.
Protein change: p.Tyr1709Phe; replaces tyrosine 1709 with phenylalanine.
Molecular consequence: missense variant.
Genome position (GRCh38, 1-based): chr5:128,310,057, T>A on the plus strand (A>T on the coding strand, the complement: FBN2 is on the minus strand). VCF-style: chr5-128310057-T-A. GRCh37 (hg19) VCF-style: chr5-127645749-T-A.
Other names: short protein forms Y1709F.
Identifiers: ClinVar variation 3645080 (VCV003645080.2).